The following is an entry in ClinVar:

ClinVar aggregate classification (germline): Conflicting classifications of pathogenicity. Review status: criteria provided, conflicting classifications (1 of 4 stars). 5 submissions from 5 submitters: Uncertain significance (4); Likely benign (1). Last evaluated 2024-07-30.

Conditions:
Renal tubular dysgenesis. Also called: Renotubular dysgenesis. Identifiers: Orphanet 3033, MedGen C0266313, MONDO:0017609, HP:0008660.
Microvascular complications of diabetes, susceptibility to, 3. Identifiers: MedGen C2675470, MONDO:0012963, OMIM 612624.
Hemorrhage, intracerebral, susceptibility to (ICH). Also called: Stroke, hemorrhagic, susceptibility to. Identifiers: MedGen C3281105, MONDO:0100533, OMIM 614519.
Renal tubular dysgenesis of genetic origin. Also called: PRIMITIVE RENAL TUBULE SYNDROME. Identifiers: Orphanet 97369, MedGen C5681536, MONDO:0009970, OMIM 267430.

Allele frequency attached by ClinVar (database versions not stated): ExAC 0.00016; gnomAD 0.00022 and 0.00023; gnomAD exomes 0.00024 and 0.00063; TOPMed 0.00030; ESP Exome Variant Server 0.00031.
gnomAD v4.1: 947 of 1,614,024 alleles (0.059%); highest among the groups gnomAD compares: Non-Finnish European, 0.075%; 2 homozygotes.

Submissions (5):

Women's Health and Genetics/Laboratory Corporation of America, LabCorp
Classification: Uncertain significance. Last evaluated: 2024-07-30. Review status: criteria provided, single submitter. Criteria: LabCorp Variant Classification Summary - May 2015. Collection method: clinical testing. Allele origin: germline.
Comment: Variant summary: ACE c.682C>T (p.Arg228Cys) results in a non-conservative amino acid change in the encoded protein sequence. Five of five in-silico tools predict a damaging effect of the variant on protein function. The variant allele was found at a frequency of 0.00024 in 251196 control chromosomes. This frequency is not significantly higher than estimated for a pathogenic variant in ACE causing ACE-Related Disorders, allowing no conclusion about variant significance. To our knowledge, no occurrence of c.682C>T in individuals affected with ACE-Related Disorders and no experimental evidence demonstrating its impact on protein function have been reported. ClinVar contains an entry for this variant (Variation ID: 324367). Based on the evidence outlined above, the variant was classified as uncertain significance.

Fulgent Genetics
Classification: Likely benign for Renal tubular dysgenesis of genetic origin; Microvascular complications of diabetes, susceptibility to, 3; Hemorrhage, intracerebral, susceptibility to. Last evaluated: 2024-02-27. Review status: criteria provided, single submitter. Criteria: ACMG Guidelines, 2015. Collection method: clinical testing. Allele origin: germline.

CeGaT Center for Human Genetics Tuebingen
Classification: Uncertain significance. Last evaluated: 2024-01-01. Review status: criteria provided, single submitter. Criteria: CeGaT Center For Human Genetics Tuebingen Variant Classification Criteria Version 2. Collection method: clinical testing. Allele origin: germline. Affected: yes. Observed: 1 variant allele.
Comment: ACE: PM2

Illumina Laboratory Services, Illumina
Classification: Uncertain significance for Renal tubular dysgenesis of genetic origin. Last evaluated: 2018-01-13. Review status: criteria provided, single submitter. Criteria: ICSL Variant Classification Criteria 13 December 2019. Collection method: clinical testing. Allele origin: germline.

Breakthrough Genomics
Classification: Uncertain significance. Review status: criteria provided, single submitter. Criteria: ACMG Guidelines, 2015. Collection method: not provided. Allele origin: germline. Inheritance: Autosomal recessive inheritance. Affected: yes.

NM_000789.4(ACE):c.682C>T (p.Arg228Cys)

Gene: ACE (angiotensin I converting enzyme; plus strand). Cytogenetic location: 17q23.3.
Variant type: single nucleotide variant.
Coding change: c.682C>T on transcript NM_000789.4 (MANE Select); coding-DNA position 682, C replaced by T.
Protein change: p.Arg228Cys; replaces arginine 228 with cysteine.
Molecular consequence: missense variant.
Genome position (GRCh38, 1-based): chr17:63,480,363, C>T. VCF-style: chr17-63480363-C-T. GRCh37 (hg19) VCF-style: chr17-61557724-C-T.
Other names: short protein forms R228C.
Identifiers: ClinVar variation 324367 (VCV000324367.30), dbSNP rs141543325, ClinGen allele CA8699208.